The following is an entry in ClinVar:

ClinVar aggregate classification (germline): Uncertain significance (1 of 4 stars; one submission).

Conditions:
Hereditary cancer-predisposing syndrome. Also called: Neoplastic Syndromes, Hereditary; Tumor predisposition; Hereditary Cancer Syndrome; Hereditary neoplastic syndrome. Identifiers: Orphanet 140162, MedGen C0027672, MeSH D009386, MONDO:0015356.

Submission:

Ambry Genetics
Classification: Uncertain significance for Hereditary cancer-predisposing syndrome. Last evaluated: 2025-11-12. Review status: criteria provided, single submitter. Criteria: Ambry Variant Classification Scheme 2023. Collection method: clinical testing. Allele origin: germline.
Comment: The p.V426I variant (also known as c.1276G>A), located in coding exon 8 of the BRIP1 gene, results from a G to A substitution at nucleotide position 1276. The valine at codon 426 is replaced by isoleucine, an amino acid with highly similar properties. This amino acid position is conserved. In addition, this alteration is predicted to be tolerated by in silico analysis. Based on the available evidence, the clinical significance of this variant remains unclear.

NM_032043.3(BRIP1):c.1276G>A (p.Val426Ile)

Gene: BRIP1 (BRCA1 interacting DNA helicase 1; minus strand). Cytogenetic location: 17q23.2.
Variant type: single nucleotide variant.
Coding change: c.1276G>A on transcript NM_032043.3 (MANE Select); coding-DNA position 1276, G replaced by A.
Protein change: p.Val426Ile; replaces valine 426 with isoleucine.
Molecular consequence: missense variant.
Genome position (GRCh38, 1-based): chr17:61,799,164, C>T on the plus strand (G>A on the coding strand, the complement: BRIP1 is on the minus strand). VCF-style: chr17-61799164-C-T. GRCh37 (hg19) VCF-style: chr17-59876525-C-T.
Other names: short protein forms V426I.
Identifiers: ClinVar variation 4630004 (VCV004630004.1).
Genomic context (GRCh38, chr17:61,799,164, plus strand): 5'-TGAGGCTACAGCACACAGCTCGTAGGGGTTCATGATCTTTCTTCCTTATATTATTGTTGA[C>T]CATACTATCTAGTTCATCCCGAGCAAACCGAAGCTGAACTTCTGTTACACTGTAACTTGC-3'
Protein context (NP_114432.2, residues 416-436): RFARDELDSM[Val426Ile]NNNIRKKDHE